The following is an entry in ClinVar:

NM_004667.6(HERC2):c.9175G>A (p.Ala3059Thr)

Gene: HERC2 (HECT and RLD domain containing E3 ubiquitin protein ligase 2; minus strand). Cytogenetic location: 15q13.1.
Variant type: single nucleotide variant.
Coding change: c.9175G>A on transcript NM_004667.6 (MANE Select); coding-DNA position 9175, G replaced by A.
Protein change: p.Ala3059Thr; replaces alanine 3059 with threonine.
Molecular consequence: missense variant.
Genome position (GRCh38, 1-based): chr15:28,177,498, C>T on the plus strand (G>A on the coding strand, the complement: HERC2 is on the minus strand). VCF-style: chr15-28177498-C-T. GRCh37 (hg19) VCF-style: chr15-28422644-C-T.
Other names: short protein forms A3059T.
Identifiers: ClinVar variation 1223807 (VCV001223807.7), dbSNP rs140664117, ClinGen allele CA7441228.

ClinVar aggregate classification (germline): Conflicting classifications of pathogenicity. Review status: criteria provided, conflicting classifications (1 of 4 stars). 2 submissions from 2 submitters: Uncertain significance (1); Likely benign (1). Last evaluated 2026-08-25.

Conditions:
HERC2-related disorder. Also called: HERC2-related condition.

Allele frequency attached by ClinVar (database versions not stated): gnomAD exomes 0.00019; ExAC 0.00024; gnomAD 0.00059 and 0.00065; 1000 Genomes Project 0.00060; 1000 Genomes Project 30x 0.00062; TOPMed 0.00062; ESP Exome Variant Server 0.00100.
gnomAD v4.1: 175 of 1,614,212 alleles (0.011%); highest among the groups gnomAD compares: African/African-American, 0.2%; no homozygotes.

Submissions (2):

PreventionGenetics, part of Exact Sciences
Classification: Likely benign for HERC2-related condition. Last evaluated: 2026-08-25. Review status: criteria provided, single submitter. Criteria: ACMG Guidelines, 2015. Collection method: clinical testing. Allele origin: germline.
Comment: This variant is classified as likely benign based on ACMG/AMP sequence variant interpretation guidelines (Richards et al. 2015 PMID: 25741868, with internal and published modifications).

GeneDx
Classification: Uncertain significance. Last evaluated: 2025-12-19. Review status: criteria provided, single submitter. Criteria: GeneDx Variant Classification Process June 2021. Collection method: clinical testing. Allele origin: germline. Affected: yes.
Comment: In silico analysis supports that this missense variant has a deleterious effect on protein structure/function; Has not been previously published as pathogenic or benign to our knowledge